The following is an entry in ClinVar:

ClinVar aggregate classification (germline): Uncertain significance (1 of 4 stars; one submission).

Conditions:
Neurodevelopmental disorder. Identifiers: MedGen C1535926, MeSH D065886, MONDO:0700092.

Submission:

Developmental Brain Disorders Lab, Seattle Children's Hospital
Classification: Uncertain significance for Neurodevelopmental disorder. Last evaluated: 2025-05-01. Review status: criteria provided, single submitter. Criteria: ACMG Guidelines, 2015. Collection method: research. Allele origin: maternal. Affected: yes.
Comment: It meets ACMG variant classification criteria (PM2) (PMID:25741868).

NM_001282874.2(SMARCA1):c.407A>G (p.Gln136Arg)

Gene: SMARCA1 (SNF2 related chromatin remodeling ATPase 1; minus strand). Cytogenetic location: Xq26.1.
Variant type: single nucleotide variant.
Coding change: c.407A>G on transcript NM_001282874.2 (MANE Select); coding-DNA position 407, A replaced by G.
Protein change: p.Gln136Arg; replaces glutamine 136 with arginine.
Molecular consequence: missense variant.
Genome position (GRCh38, 1-based): chrX:129,516,352, T>C on the plus strand (A>G on the coding strand, the complement: SMARCA1 is on the minus strand). VCF-style: chrX-129516352-T-C. GRCh37 (hg19) VCF-style: chrX-128650329-T-C.
Other names: c.407A>G, p.Gln136Arg (NM_001282875.2, NM_001378261.1, NM_001378262.1 and 3 more transcripts); short protein forms Q136R.
Identifiers: ClinVar variation 3901138 (VCV003901138.1).